The following is an entry in ClinVar:

ClinVar aggregate classification (germline): Likely benign (1 of 4 stars; one submission).

Submission:

CeGaT Center for Human Genetics Tuebingen
Classification: Likely benign. Last evaluated: 2023-03-01. Review status: criteria provided, single submitter. Criteria: CeGaT Center For Human Genetics Tuebingen Variant Classification Criteria Version 2. Collection method: clinical testing. Allele origin: germline. Affected: yes. Observed: 1 variant allele.
Comment: EP400P1: BS2

NC_000012.12:g.132105065G>T

Variant type: single nucleotide variant.
Genome position: GRCh38 VCF-style: chr12-132105065-G-T. GRCh37 (hg19) VCF-style: chr12-132589610-G-T.
Identifiers: ClinVar variation 2643628 (VCV002643628.23), dbSNP rs201937386, ClinGen allele CA6887656.